The following is an entry in ClinVar:

ClinVar aggregate classification (germline): Uncertain significance (1 of 4 stars; one submission).

Conditions:
Epilepsy, progressive myoclonic, 1B. Also called: PME. Identifiers: Orphanet 308, MedGen C2676254, MONDO:0012904, OMIM 612437.

Allele frequency attached by ClinVar (database versions not stated): gnomAD exomes below 0.00001.
gnomAD v4.1: 2 of 1,614,042 alleles (0.00012%); highest among the groups gnomAD compares: Non-Finnish European, 0.00017%; no homozygotes.

Submission:

Labcorp Genetics (formerly Invitae), Labcorp
Classification: Uncertain significance for Epilepsy, progressive myoclonic, 1B. Last evaluated: 2021-11-12. Review status: criteria provided, single submitter. Criteria: Invitae Variant Classification Sherloc (09022015). Collection method: clinical testing. Allele origin: germline.
Comment: In summary, the available evidence is currently insufficient to determine the role of this variant in disease. Therefore, it has been classified as a Variant of Uncertain Significance. Algorithms developed to predict the effect of missense changes on protein structure and function are either unavailable or do not agree on the potential impact of this missense change (SIFT: "Deleterious"; PolyPhen-2: "Probably Damaging"; Align-GVGD: "Class C15"). This variant has not been reported in the literature in individuals affected with PRICKLE1-related conditions. This variant is not present in population databases (gnomAD no frequency). This sequence change replaces aspartic acid, which is acidic and polar, with asparagine, which is neutral and polar, at codon 167 of the PRICKLE1 protein (p.Asp167Asn).

NM_153026.3(PRICKLE1):c.499G>A (p.Asp167Asn)

Gene: PRICKLE1 (prickle planar cell polarity protein 1; minus strand). Cytogenetic location: 12q12.
Variant type: single nucleotide variant.
Coding change: c.499G>A on transcript NM_153026.3 (MANE Select); coding-DNA position 499, G replaced by A.
Protein change: p.Asp167Asn; replaces aspartic acid 167 with asparagine.
Molecular consequence: missense variant.
Genome position (GRCh38, 1-based): chr12:42,468,715, C>T on the plus strand (G>A on the coding strand, the complement: PRICKLE1 is on the minus strand). VCF-style: chr12-42468715-C-T. GRCh37 (hg19) VCF-style: chr12-42862517-C-T.
Other names: c.499G>A, p.Asp167Asn (NM_001144881.2, NM_001144882.2, NM_001144883.2); short protein forms D167N.
Identifiers: ClinVar variation 1392950 (VCV001392950.6), dbSNP rs2140113781, ClinGen allele CA384443853.